The following is an entry in ClinVar:

NM_001001563.5(TIMM50):c.696+6G>A

Gene: TIMM50 (translocase of inner mitochondrial membrane 50; plus strand). Cytogenetic location: 19q13.2.
Variant type: single nucleotide variant.
Coding change: c.696+6G>A on transcript NM_001001563.5 (MANE Select); 6 bases into the intron after coding-DNA position 696, G replaced by A.
Molecular consequence: intron variant.
Genome position (GRCh38, 1-based): chr19:39,486,501, G>A. VCF-style: chr19-39486501-G-A. GRCh37 (hg19) VCF-style: chr19-39977141-G-A.
Other names: c.357+6G>A (NM_001329559.2).
Identifiers: ClinVar variation 1506115 (VCV001506115.4), dbSNP rs779513932, ClinGen allele CA9431929.

ClinVar aggregate classification (germline): Uncertain significance (1 of 4 stars; one submission).

Allele frequency attached by ClinVar (database versions not stated): gnomAD exomes below 0.00001 and 0.00001; TOPMed below 0.00001; ExAC 0.00002.
gnomAD v4.1: 12 of 1,613,698 alleles (0.00074%); highest among the groups gnomAD compares: South Asian, 0.0011%; no homozygotes.

Submission:

Labcorp Genetics (formerly Invitae), Labcorp
Classification: Uncertain significance. Last evaluated: 2023-10-09. Review status: criteria provided, single submitter. Criteria: Invitae Variant Classification Sherloc (09022015). Collection method: clinical testing. Allele origin: germline.
Comment: This sequence change falls in intron 8 of the TIMM50 gene. It does not directly change the encoded amino acid sequence of the TIMM50 protein. It affects a nucleotide within the consensus splice site. This variant is present in population databases (rs779513932, gnomAD 0.0009%). This variant has not been reported in the literature in individuals affected with TIMM50-related conditions. ClinVar contains an entry for this variant (Variation ID: 1506115). Variants that disrupt the consensus splice site are a relatively common cause of aberrant splicing (PMID: 17576681, 9536098). Algorithms developed to predict the effect of sequence changes on RNA splicing suggest that this variant is not likely to affect RNA splicing. In summary, the available evidence is currently insufficient to determine the role of this variant in disease. Therefore, it has been classified as a Variant of Uncertain Significance.

Literature cited by the submitters: PubMed 17576681; PubMed 9536098.